The following is an entry in ClinVar:

NM_006767.4(LZTR1):c.759C>A (p.Asn253Lys)

Gene: LZTR1 (leucine zipper like post translational regulator 1; plus strand). Cytogenetic location: 22q11.21.
Variant type: single nucleotide variant.
Coding change: c.759C>A on transcript NM_006767.4 (MANE Select); coding-DNA position 759, C replaced by A.
Protein change: p.Asn253Lys; replaces asparagine 253 with lysine.
Molecular consequence: missense variant.
Genome position (GRCh38, 1-based): chr22:20,990,493, C>A. VCF-style: chr22-20990493-C-A. GRCh37 (hg19) VCF-style: chr22-21344782-C-A.
Other names: short protein forms N253K.
Identifiers: ClinVar variation 1334245 (VCV001334245.8), dbSNP rs2147964108, ClinGen allele CA410780641.
Genomic context (GRCh38, chr22:20,990,493, plus strand): 5'-GGCTGTGTGCCGGGACAAGATGTTTGTATTCTCTGGGCAAAGCGGAGCCAAAATAACCAA[C>A]AACCTCTTCCAGTTTGAATTCAAGGACAAGACGTGAGTACTCTGGCCAGTGGGGTGGAGG-3'
Protein context (NP_006758.2, residues 243-263): FSGQSGAKIT[Asn253Lys]NLFQFEFKDK

ClinVar aggregate classification (germline): Uncertain significance. Review status: criteria provided, multiple submitters, no conflicts (2 of 4 stars). 2 submissions from 2 submitters: Uncertain significance (2). Last evaluated 2023-04-10.

Conditions:
Noonan syndrome and Noonan-related syndrome. Identifiers: Orphanet 98733, MedGen C5681679, MONDO:0020297.

Submissions (2):

Labcorp Genetics (formerly Invitae), Labcorp
Classification: Uncertain significance. Last evaluated: 2023-04-10. Review status: criteria provided, single submitter. Criteria: Invitae Variant Classification Sherloc (09022015). Collection method: clinical testing. Allele origin: germline.
Comment: This sequence change replaces asparagine, which is neutral and polar, with lysine, which is basic and polar, at codon 253 of the LZTR1 protein (p.Asn253Lys). In summary, the available evidence is currently insufficient to determine the role of this variant in disease. Therefore, it has been classified as a Variant of Uncertain Significance. This variant is not present in population databases (gnomAD no frequency). This variant has not been reported in the literature in individuals affected with LZTR1-related conditions. ClinVar contains an entry for this variant (Variation ID: 1334245). Advanced modeling of protein sequence and biophysical properties (such as structural, functional, and spatial information, amino acid conservation, physicochemical variation, residue mobility, and thermodynamic stability) performed at Invitae indicates that this missense variant is not expected to disrupt LZTR1 protein function.

Genome Diagnostics Laboratory, The Hospital for Sick Children
Classification: Uncertain significance for Noonan syndrome and Noonan-related syndrome. Last evaluated: 2021-05-07. Review status: criteria provided, single submitter. Criteria: ACMG Guidelines, 2015. Collection method: clinical testing. Allele origin: germline.